The following is an entry in ClinVar:

ClinVar aggregate classification (germline): Likely benign (1 of 4 stars; one submission).

Submission:

CeGaT Center for Human Genetics Tuebingen
Classification: Likely benign. Last evaluated: 2024-03-01. Review status: criteria provided, single submitter. Criteria: CeGaT Center For Human Genetics Tuebingen Variant Classification Criteria Version 2. Collection method: clinical testing. Allele origin: germline. Affected: yes. Observed: 6 variant alleles.
Comment: PRB3: BP4

NM_001394862.1(PRB3):c.410G>A (p.Arg137His)

Gene: PRB3 (proline rich protein BstNI subfamily 3; minus strand). Cytogenetic location: 12p13.2.
Variant type: single nucleotide variant.
Coding change: c.410G>A on transcript NM_001394862.1 (MANE Select); coding-DNA position 410, G replaced by A.
Protein change: p.Arg137His; replaces arginine 137 with histidine.
Molecular consequence: missense variant.
Genome position (GRCh38, 1-based): chr12:11,267,839, C>T on the plus strand (G>A on the coding strand, the complement: PRB3 is on the minus strand). VCF-style: chr12-11267839-C-T. GRCh37 (hg19) VCF-style: chr12-11420773-C-T.
Other names: c.410G>A, p.Arg137His (NM_006249.5); short protein forms R137H.
Identifiers: ClinVar variation 2642712 (VCV002642712.24), dbSNP rs200940772, ClinGen allele CA232952703.